The following is an entry in ClinVar:

NM_000338.3(SLC12A1):c.1405A>T (p.Arg469Ter)

Gene: SLC12A1 (solute carrier family 12 member 1; plus strand). Cytogenetic location: 15q21.1.
Variant type: single nucleotide variant.
Coding change: c.1405A>T on transcript NM_000338.3 (MANE Select); coding-DNA position 1405, A replaced by T.
Protein change: p.Arg469Ter; replaces arginine 469 with a stop codon.
Molecular consequence: nonsense.
Genome position (GRCh38, 1-based): chr15:48,244,857, A>T. VCF-style: chr15-48244857-A-T. GRCh37 (hg19) VCF-style: chr15-48537054-A-T.
Other names: c.1405A>T, p.Arg469Ter (NM_001184832.2, NM_001384136.1); short protein forms R469*.
Identifiers: ClinVar variation 1070102 (VCV001070102.7), dbSNP rs2041559629, ClinGen allele CA392310693.

ClinVar aggregate classification (germline): Pathogenic (1 of 4 stars; one submission).

Allele frequency attached by ClinVar (database versions not stated): gnomAD exomes below 0.00001; TOPMed below 0.00001; gnomAD 0.00001.
gnomAD v4.1: 2 of 1,613,888 alleles (0.00012%); highest among the groups gnomAD compares: Non-Finnish European, 0.00017%; no homozygotes.

Submission:

Labcorp Genetics (formerly Invitae), Labcorp
Classification: Pathogenic. Last evaluated: 2023-05-19. Review status: criteria provided, single submitter. Criteria: Invitae Variant Classification Sherloc (09022015). Collection method: clinical testing. Allele origin: germline.
Comment: This sequence change creates a premature translational stop signal (p.Arg469*) in the SLC12A1 gene. It is expected to result in an absent or disrupted protein product. Loss-of-function variants in SLC12A1 are known to be pathogenic (PMID: 8640224, 9585600, 19096086). This variant is not present in population databases (gnomAD no frequency). This variant has not been reported in the literature in individuals affected with SLC12A1-related conditions. ClinVar contains an entry for this variant (Variation ID: 1070102). For these reasons, this variant has been classified as Pathogenic.

Literature cited by the submitters: PubMed 8640224; PubMed 9585600; PubMed 19096086.